The following is an entry in ClinVar:

ClinVar aggregate classification (germline): Uncertain significance (1 of 4 stars; one submission).

Allele frequency attached by ClinVar (database versions not stated): gnomAD exomes 0.00001.
gnomAD v4.1: 11 of 1,614,154 alleles (0.00068%); highest among the groups gnomAD compares: Non-Finnish European, 0.00085%; no homozygotes.

Submission:

Labcorp Genetics (formerly Invitae), Labcorp
Classification: Uncertain significance. Last evaluated: 2022-09-07. Review status: criteria provided, single submitter. Criteria: Invitae Variant Classification Sherloc (09022015). Collection method: clinical testing. Allele origin: germline.
Comment: This sequence change replaces threonine, which is neutral and polar, with alanine, which is neutral and non-polar, at codon 41 of the FOXP1 protein (p.Thr41Ala). This variant is not present in population databases (gnomAD no frequency). This variant has not been reported in the literature in individuals affected with FOXP1-related conditions. Algorithms developed to predict the effect of missense changes on protein structure and function (SIFT, PolyPhen-2, Align-GVGD) all suggest that this variant is likely to be tolerated. In summary, the available evidence is currently insufficient to determine the role of this variant in disease. Therefore, it has been classified as a Variant of Uncertain Significance.

NM_001349338.3(FOXP1):c.121A>G (p.Thr41Ala)

Gene: FOXP1 (forkhead box P1; minus strand). Cytogenetic location: 3p13.
Variant type: single nucleotide variant.
Coding change: c.121A>G on transcript NM_001349338.3 (MANE Select); coding-DNA position 121, A replaced by G.
Protein change: p.Thr41Ala; replaces threonine 41 with alanine.
Molecular consequence: missense variant. On other transcripts: non-coding transcript variant (2).
Genome position (GRCh38, 1-based): chr3:71,198,261, T>C on the plus strand (A>G on the coding strand, the complement: FOXP1 is on the minus strand). VCF-style: chr3-71198261-T-C. GRCh37 (hg19) VCF-style: chr3-71247412-T-C.
Other names: c.121A>G, p.Thr41Ala (NM_001012505.2, NM_001244808.3, NM_001244810.2 and 7 more transcripts); short protein forms T41A.
Identifiers: ClinVar variation 1976798 (VCV001976798.5), dbSNP rs2063422516, ClinGen allele CA353565086.